The following is an entry in ClinVar:

NM_024422.6(DSC2):c.1078-6T>G

Gene: DSC2 (desmocollin 2; minus strand). Cytogenetic location: 18q12.1.
Variant type: single nucleotide variant.
Coding change: c.1078-6T>G on transcript NM_024422.6 (MANE Select); 6 bases into the intron before coding-DNA position 1078, T replaced by G.
Molecular consequence: intron variant.
Genome position (GRCh38, 1-based): chr18:31,082,429, A>C on the plus strand (T>G on the coding strand, the complement: DSC2 is on the minus strand). VCF-style: chr18-31082429-A-C. GRCh37 (hg19) VCF-style: chr18-28662395-A-C.
Other names: c.1078-6T>G (NM_004949.5).
Identifiers: ClinVar variation 468368 (VCV000468368.10), dbSNP rs1555639038, ClinGen allele CA658658733.

ClinVar aggregate classification (germline): Uncertain significance. Review status: criteria provided, multiple submitters, no conflicts (2 of 4 stars). 2 submissions from 2 submitters: Uncertain significance (2). Last evaluated 2023-05-22.

Conditions:
Arrhythmogenic right ventricular dysplasia 11. Also called: Arrhythmogenic Right Ventricular Dysplasia/Cardiomyopathy11; ARRHYTHMOGENIC RIGHT VENTRICULAR DYSPLASIA, FAMILIAL, 11; Arrhythmogenic right ventricular dysplasia 11 with mild palmoplantar keratoderma and woolly hair. Identifiers: MedGen C1864850, MONDO:0012506, OMIM 610476.

Allele frequency attached by ClinVar (database versions not stated): gnomAD exomes below 0.00001.
gnomAD v4.1: 3 of 1,612,486 alleles (0.00019%); highest among the groups gnomAD compares: Non-Finnish European, 0.00025%; no homozygotes.

Submissions (2):

Labcorp Genetics (formerly Invitae), Labcorp
Classification: Uncertain significance for Arrhythmogenic right ventricular dysplasia 11. Last evaluated: 2023-05-22. Review status: criteria provided, single submitter. Criteria: Invitae Variant Classification Sherloc (09022015). Collection method: clinical testing. Allele origin: germline.
Comment: This sequence change falls in intron 8 of the DSC2 gene. It does not directly change the encoded amino acid sequence of the DSC2 protein. This variant is not present in population databases (gnomAD no frequency). This variant has not been reported in the literature in individuals affected with DSC2-related conditions. ClinVar contains an entry for this variant (Variation ID: 468368). Algorithms developed to predict the effect of sequence changes on RNA splicing suggest that this variant may disrupt the consensus splice site. In summary, the available evidence is currently insufficient to determine the role of this variant in disease. Therefore, it has been classified as a Variant of Uncertain Significance.

Blueprint Genetics
Classification: Uncertain significance. Last evaluated: 2019-08-06. Review status: criteria provided, single submitter. Criteria: ACMG Guidelines, 2015. Collection method: clinical testing. Allele origin: germline.